The following is an entry in ClinVar:

ClinVar aggregate classification (germline): Uncertain significance (1 of 4 stars; one submission).

Conditions:
Hereditary cancer-predisposing syndrome. Also called: Tumor predisposition; Neoplastic Syndromes, Hereditary; Hereditary neoplastic syndrome; Hereditary Cancer Syndrome. Identifiers: Orphanet 140162, MedGen C0027672, MeSH D009386, MONDO:0015356.

Submission:

Ambry Genetics
Classification: Uncertain significance for Hereditary cancer-predisposing syndrome. Last evaluated: 2025-08-27. Review status: criteria provided, single submitter. Criteria: Ambry Variant Classification Scheme 2023. Collection method: clinical testing. Allele origin: germline.
Comment: The p.H482Q variant (also known as c.1446C>G), located in coding exon 14 of the MUTYH gene, results from a C to G substitution at nucleotide position 1446. The histidine at codon 482 is replaced by glutamine, an amino acid with highly similar properties. This amino acid position is conserved. In addition, this alteration is predicted to be tolerated by in silico analysis. Based on the available evidence, the clinical significance of this variant remains unclear.

NM_001048174.2(MUTYH):c.1362C>G (p.His454Gln)

Gene: MUTYH (mutY DNA glycosylase; minus strand). Cytogenetic location: 1p34.1.
Variant type: single nucleotide variant.
Coding change: c.1362C>G on transcript NM_001048174.2 (MANE Select); coding-DNA position 1362, C replaced by G.
Protein change: p.His454Gln; replaces histidine 454 with glutamine.
Molecular consequence: missense variant. On other transcripts: non-coding transcript variant (7).
Genome position (GRCh38, 1-based): chr1:45,331,212, G>C on the plus strand (C>G on the coding strand, the complement: MUTYH is on the minus strand). VCF-style: chr1-45331212-G-C. GRCh37 (hg19) VCF-style: chr1-45796884-G-C.
Other names: c.1362C>G, p.His454Gln (NM_001048171.2, NM_001048173.2, NM_001293195.2 and 6 more transcripts); c.1365C>G, p.His455Gln (NM_001048172.2, NM_001407071.1, NM_001407078.1 and 1 more transcripts); c.1446C>G, p.His482Gln (NM_001128425.2); c.1407C>G, p.His469Gln (NM_001293190.2); c.1395C>G, p.His465Gln (NM_001293191.2, NM_001407069.1, NM_001407077.1); c.1086C>G, p.His362Gln (NM_001293192.2, NM_001293196.2, NM_001407091.1); c.1017C>G, p.His339Gln (NM_001350650.2, NM_001350651.2, NM_001407082.1); c.1278C>G, p.His426Gln (NM_001407075.1); and 5 more; short protein forms H441Q, H461Q, H482Q, H339Q, H440Q, H454Q, H455Q, H469Q.
Identifiers: ClinVar variation 4113259 (VCV004113259.1).